The following is an entry in ClinVar:

NM_018109.4(MTPAP):c.1312+3A>G

Gene: MTPAP (mitochondrial poly(A) polymerase; minus strand). Cytogenetic location: 10p11.23.
Variant type: single nucleotide variant.
Coding change: c.1312+3A>G on transcript NM_018109.4 (MANE Select); 3 bases into the intron after coding-DNA position 1312, A replaced by G.
Molecular consequence: intron variant.
Genome position (GRCh38, 1-based): chr10:30,316,115, T>C on the plus strand (A>G on the coding strand, the complement: MTPAP is on the minus strand). VCF-style: chr10-30316115-T-C. GRCh37 (hg19) VCF-style: chr10-30605044-T-C.
Identifiers: ClinVar variation 261004 (VCV000261004.16), dbSNP rs117698926, ClinGen allele CA5458990.

ClinVar aggregate classification (germline): Benign/Likely benign. Review status: criteria provided, multiple submitters, no conflicts (2 of 4 stars). 5 submissions from 5 submitters: Benign (4); Likely benign (1). Last evaluated 2026-08-07.

Conditions:
MTPAP-related disorder. Also called: MTPAP-related condition.

Allele frequency attached by ClinVar (database versions not stated): gnomAD exomes 0.00026 and 0.00096; gnomAD 0.00031 and 0.00047; TOPMed 0.00087; ExAC 0.00097; 1000 Genomes Project 30x 0.00359; 1000 Genomes Project 0.00379.
gnomAD v4.1: 509 of 1,611,968 alleles (0.032%); highest among the groups gnomAD compares: East Asian, 0.81%; 9 homozygotes.

Submissions (5):

PreventionGenetics, part of Exact Sciences
Classification: Benign for MTPAP-related condition. Last evaluated: 2026-08-07. Review status: criteria provided, single submitter. Criteria: ACMG Guidelines, 2015. Collection method: clinical testing. Allele origin: germline.
Comment: This variant is classified as benign based on ACMG/AMP sequence variant interpretation guidelines (Richards et al. 2015 PMID: 25741868, with internal and published modifications).

Labcorp Genetics (formerly Invitae), Labcorp
Classification: Benign. Last evaluated: 2026-01-26. Review status: criteria provided, single submitter. Criteria: Invitae Variant Classification Sherloc (09022015). Collection method: clinical testing. Allele origin: germline.

Blueprint Genetics
Classification: Likely benign. Last evaluated: 2024-10-04. Review status: criteria provided, single submitter. Criteria: ACMG Guidelines, 2015. Collection method: clinical testing. Allele origin: germline.

Athena Diagnostics
Classification: Benign. Last evaluated: 2021-05-14. Review status: criteria provided, single submitter. Criteria: Athena Diagnostics criteria. Collection method: clinical testing. Allele origin: unknown.

GeneDx
Classification: Benign. Last evaluated: 2018-09-22. Review status: criteria provided, single submitter. Criteria: GeneDx Variant Classification Process June 2021. Collection method: clinical testing. Allele origin: germline. Affected: yes.